The following is an entry in ClinVar:

NM_014384.3(ACAD8):c.915dup (p.Gly306fs)

Gene: ACAD8 (acyl-CoA dehydrogenase family member 8; plus strand). Cytogenetic location: 11q25.
Variant type: Duplication.
Coding change: c.915dup on transcript NM_014384.3 (MANE Select); coding-DNA position 915, one base duplicated (T; older notation c.915dupT).
Protein change: p.Gly306fs; shifts the reading frame from glycine 306.
Molecular consequence: frameshift variant.
Genome position (GRCh38, 1-based): chr11:134,261,348, T duplicated; the last of 3 consecutive T bases (chr11:134,261,346-134,261,348); duplicating any one gives the same sequence. VCF-style (leftmost placement, unchanged base first): chr11-134261345-G-GT. GRCh37 (hg19) VCF-style: chr11-134131239-G-GT.
Other names: short protein forms G306fs.
Identifiers: ClinVar variation 1201254 (VCV001201254.3), dbSNP rs2136082682, ClinGen allele CA2499220815.

ClinVar aggregate classification (germline): Pathogenic (1 of 4 stars; one submission).

Submission:

GeneDx
Classification: Pathogenic. Last evaluated: 2017-06-01. Review status: criteria provided, single submitter. Criteria: GeneDx Variant Classification Process June 2021. Collection method: clinical testing. Allele origin: germline. Affected: yes.
Comment: Frameshift variant predicted to result in protein truncation or nonsense mediated decay in a gene for which loss-of-function is a known mechanism of disease; Not observed in large population cohorts (Lek et al., 2016; McVean et al., 2012; Exome Variant Server); Has not been previously published as pathogenic or benign to our knowledge